The following is an entry in ClinVar:

ClinVar aggregate classification (germline): Pathogenic (1 of 4 stars; one submission).

Submission:

Labcorp Genetics (formerly Invitae), Labcorp
Classification: Pathogenic. Last evaluated: 2024-01-12. Review status: criteria provided, single submitter. Criteria: Invitae Variant Classification Sherloc (09022015). Collection method: clinical testing. Allele origin: germline.
Comment: This sequence change creates a premature translational stop signal (p.Ser52*) in the HPS5 gene. It is expected to result in an absent or disrupted protein product. Loss-of-function variants in HPS5 are known to be pathogenic (PMID: 12548288, 15296495, 21833017, 26785811). This variant is not present in population databases (gnomAD no frequency). This variant has not been reported in the literature in individuals affected with HPS5-related conditions. For these reasons, this variant has been classified as Pathogenic.

Literature cited by the submitters: PubMed 12548288; PubMed 15296495; PubMed 21833017; PubMed 26785811.

NM_181507.2(HPS5):c.155C>G (p.Ser52Ter)

Gene: HPS5 (HPS5 biogenesis of lysosomal organelles complex 2 subunit 2; minus strand). Cytogenetic location: 11p15.1.
Variant type: single nucleotide variant.
Coding change: c.155C>G on transcript NM_181507.2 (MANE Select); coding-DNA position 155, C replaced by G.
Protein change: p.Ser52Ter; replaces serine 52 with a stop codon.
Molecular consequence: nonsense. On other transcripts: 5 prime UTR variant (1).
Genome position (GRCh38, 1-based): chr11:18,311,978, G>C on the plus strand (C>G on the coding strand, the complement: HPS5 is on the minus strand). VCF-style: chr11-18311978-G-C. GRCh37 (hg19) VCF-style: chr11-18333525-G-C.
Other names: c.-188C>G (NM_007216.4, NM_181508.2); short protein forms S52*.
Identifiers: ClinVar variation 2793386 (VCV002793386.3), dbSNP rs1863076253, ClinGen allele CA379507939.